The following is an entry in ClinVar:

NM_001191016.3(CASP12):c.818A>G (p.His273Arg)

Gene: CASP12 (caspase 12 (gene/pseudogene); minus strand). Cytogenetic location: 11q22.3.
Variant type: single nucleotide variant.
Coding change: c.818A>G on transcript NM_001191016.3 (MANE Select); coding-DNA position 818, A replaced by G.
Protein change: p.His273Arg; replaces histidine 273 with arginine.
Molecular consequence: missense variant. On other transcripts: non-coding transcript variant (5).
Genome position (GRCh38, 1-based): chr11:104,887,305, T>C on the plus strand (A>G on the coding strand, the complement: CASP12 is on the minus strand). VCF-style: chr11-104887305-T-C. GRCh37 (hg19) VCF-style: chr11-104758032-T-C.
Other names: short protein forms H273R.
Identifiers: ClinVar variation 3059366 (VCV003059366.1), dbSNP rs1413779231, ClinGen allele CA382264211.

ClinVar aggregate classification (germline): Benign (1 of 4 stars; one submission).

Conditions:
CASP12-related disorder. Also called: CASP12-related condition.

Submission:

PreventionGenetics, part of Exact Sciences
Classification: Benign for CASP12-related condition. Last evaluated: 2019-09-24. Review status: criteria provided, single submitter. Criteria: ACMG Guidelines, 2015. Collection method: clinical testing. Allele origin: germline.
Comment: This variant is classified as benign based on ACMG/AMP sequence variant interpretation guidelines (Richards et al. 2015 PMID: 25741868, with internal and published modifications).